The following is an entry in ClinVar:

ClinVar aggregate classification (germline): Pathogenic (1 of 4 stars; one submission).

Submission:

Labcorp Genetics (formerly Invitae), Labcorp
Classification: Pathogenic. Last evaluated: 2023-03-29. Review status: criteria provided, single submitter. Criteria: Invitae Variant Classification Sherloc (09022015). Collection method: clinical testing. Allele origin: germline.
Comment: For these reasons, this variant has been classified as Pathogenic. Algorithms developed to predict the effect of sequence changes on RNA splicing suggest that this variant may disrupt the consensus splice site. This variant has not been reported in the literature in individuals affected with OTOGL-related conditions. This variant is not present in population databases (gnomAD no frequency). This sequence change creates a premature translational stop signal (p.Cys1113Valfs*29) in the OTOGL gene. It is expected to result in an absent or disrupted protein product. Loss-of-function variants in OTOGL are known to be pathogenic (PMID: 23122586).

Literature cited by the submitters: PubMed 23122586.

NM_001378609.3(OTOGL):c.3363del (p.Cys1122fs)

Gene: OTOGL (otogelin like; plus strand). Cytogenetic location: 12q21.31.
Variant type: Deletion.
Coding change: c.3363del on transcript NM_001378609.3 (MANE Select); coding-DNA position 3363, one base deleted (C; older notation c.3363delC).
Protein change: p.Cys1122fs; shifts the reading frame from cysteine 1122.
Molecular consequence: frameshift variant.
Genome position (GRCh38, 1-based): chr12:80,310,640, C deleted; the last of 3 consecutive C bases (chr12:80,310,638-80,310,640); deleting any one gives the same sequence. VCF-style (leftmost placement, unchanged base first): chr12-80310637-AC-A. GRCh37 (hg19) VCF-style: chr12-80704417-AC-A.
Other names: c.3228del, p.Cys1077fs (NM_001368062.3); c.3363del, p.Cys1122fs (NM_001378610.3, NM_173591.7); short protein forms C1077fs, C1122fs.
Identifiers: ClinVar variation 2850746 (VCV002850746.3), dbSNP rs2541196551, ClinGen allele CA2739272201.